The following is an entry in ClinVar:

ClinVar aggregate classification (germline): Conflicting classifications of pathogenicity. Review status: criteria provided, conflicting classifications (1 of 4 stars). 2 submissions from 2 submitters: Uncertain significance (1); Likely benign (1). Last evaluated 2022-11-01.

Conditions:
Congenital muscular hypertrophy-cerebral syndrome (CDLS2). Also called: Cornelia de Lange syndrome 2; SMC1A-Related Cornelia de Lange Syndrome. Identifiers: Orphanet 199, MedGen C1802395, MONDO:0010370, OMIM 300590.

Allele frequency attached by ClinVar (database versions not stated): 1000 Genomes Project 30x 0.00021; 1000 Genomes Project 0.00026; gnomAD 0.00048 and 0.00049; TOPMed 0.00052.

Submissions (2):

CeGaT Center for Human Genetics Tuebingen
Classification: Likely benign. Last evaluated: 2022-11-01. Review status: criteria provided, single submitter. Criteria: CeGaT Center For Human Genetics Tuebingen Variant Classification Criteria Version 2. Collection method: clinical testing. Allele origin: germline. Affected: yes. Observed: 1 variant allele.
Comment: SMC1A: BS2

Illumina Laboratory Services, Illumina
Classification: Uncertain significance for Congenital muscular hypertrophy-cerebral syndrome. Last evaluated: 2018-01-13. Review status: criteria provided, single submitter. Criteria: ICSL Variant Classification Criteria 13 December 2019. Collection method: clinical testing. Allele origin: germline.

NM_006306.4(SMC1A):c.*2948G>T

Gene: SMC1A (structural maintenance of chromosomes 1A; minus strand). Cytogenetic location: Xp11.22.
Variant type: single nucleotide variant.
Coding change: c.*2948G>T on transcript NM_006306.4 (MANE Select); 2948 bases downstream of the stop codon, G replaced by T.
Molecular consequence: 3 prime UTR variant.
Genome position (GRCh38, 1-based): chrX:53,377,155, C>A on the plus strand (G>T on the coding strand, the complement: SMC1A is on the minus strand). VCF-style: chrX-53377155-C-A. GRCh37 (hg19) VCF-style: chrX-53404076-C-A.
Other names: c.*2948G>T (NM_001281463.1).
Identifiers: ClinVar variation 368565 (VCV000368565.34), dbSNP rs183355603, ClinGen allele CA10654364.